The following is an entry in ClinVar:

ClinVar aggregate classification (germline): Uncertain significance (1 of 4 stars; one submission).

Conditions:
Neuronopathy, distal hereditary motor, type 2C. Also called: HMN IIC; NEUROPATHY, DISTAL HEREDITARY MOTOR, AUTOSOMAL DOMINANT 4; NEURONOPATHY, DISTAL HEREDITARY MOTOR, HARDING TYPE IIC; NEUROPATHY, DISTAL HEREDITARY MOTOR, HARDING TYPE IIC. Identifiers: Orphanet 139525, MedGen C3150619, MONDO:0013243, OMIM 613376.

Allele frequency attached by ClinVar (database versions not stated): ExAC 0.00006; ESP Exome Variant Server 0.00008.

Submission:

Labcorp Genetics (formerly Invitae), Labcorp
Classification: Uncertain significance for Neuronopathy, distal hereditary motor, type 2C. Last evaluated: 2025-02-06. Review status: criteria provided, single submitter. Criteria: Invitae Variant Classification Sherloc (09022015). Collection method: clinical testing. Allele origin: germline.
Comment: This sequence change replaces alanine, which is neutral and non-polar, with valine, which is neutral and non-polar, at codon 59 of the HSPB3 protein (p.Ala59Val). This variant is present in population databases (rs374682239, gnomAD 0.02%). This variant has not been reported in the literature in individuals affected with HSPB3-related conditions. ClinVar contains an entry for this variant (Variation ID: 2724293). An algorithm developed to predict the effect of missense changes on protein structure and function outputs the following: PolyPhen-2: "Benign". The valine amino acid residue is found in multiple mammalian species, which suggests that this missense change does not adversely affect protein function. In summary, the available evidence is currently insufficient to determine the role of this variant in disease. Therefore, it has been classified as a Variant of Uncertain Significance.

NM_006308.3(HSPB3):c.176C>T (p.Ala59Val)

Gene: HSPB3 (heat shock protein family B (small) member 3; plus strand). Cytogenetic location: 5q11.2.
Variant type: single nucleotide variant.
Coding change: c.176C>T on transcript NM_006308.3 (MANE Select); coding-DNA position 176, C replaced by T.
Protein change: p.Ala59Val; replaces alanine 59 with valine.
Molecular consequence: missense variant.
Genome position (GRCh38, 1-based): chr5:54,455,965, C>T. VCF-style: chr5-54455965-C-T. GRCh37 (hg19) VCF-style: chr5-53751795-C-T.
Other names: short protein forms A59V.
Identifiers: ClinVar variation 2724293 (VCV002724293.3), dbSNP rs374682239, ClinGen allele CA3264622.